The following is an entry in ClinVar:

ClinVar aggregate classification (germline): Pathogenic (1 of 4 stars; one submission).

Conditions:
Neurofibromatosis, type 2 (SWNV). Also called: BILATERAL ACOUSTIC NEUROFIBROMATOSIS; NF2-Related Schwannomatosis; SCHWANNOMATOSIS, VESTIBULAR. Identifiers: Orphanet 637, MedGen C0027832, MONDO:0007039, OMIM 101000. Disease mechanism: loss of function.

Submission:

Department of Human Genetics, Hannover Medical School
Classification: Pathogenic for Neurofibromatosis, type 2. Last evaluated: 2025-07-24. Review status: criteria provided, single submitter. Criteria: ACMG Guidelines, 2015. Collection method: clinical testing. Allele origin: germline.
Comment: PVS1_Moderate, PS2, PM2_Supporting, PP4_Strong

NM_000268.4(NF2):c.364-2A>C

Gene: NF2 (NF2, moesin-ezrin-radixin like (MERLIN) tumor suppressor; plus strand). Cytogenetic location: 22q12.2.
Variant type: single nucleotide variant.
Coding change: c.364-2A>C on transcript NM_000268.4 (MANE Select); the canonical splice acceptor site of the intron before coding-DNA position 364, A replaced by C.
Molecular consequence: splice acceptor variant.
Genome position (GRCh38, 1-based): chr22:29,642,200, A>C. VCF-style: chr22-29642200-A-C. GRCh37 (hg19) VCF-style: chr22-30038189-A-C.
Other names: c.364-2A>C (NM_016418.5, NM_181832.3, NM_001407060.1 and 5 more transcripts); c.250-2A>C (NM_001407056.1, NM_001407053.1); c.133-2A>C (NM_001407067.1); c.-277-2A>C (NM_001407065.1); c.241-2A>C (NM_001407058.1, NM_181829.3, NM_001407054.1 and 1 more transcripts); c.238-2A>C (NM_181828.3, NM_001407055.1); c.115-2A>C (NM_001407063.1, NM_181830.3, NM_001407064.1 and 1 more transcripts).
Identifiers: ClinVar variation 4071462 (VCV004071462.1).